The following is an entry in ClinVar:

ClinVar aggregate classification (germline): Uncertain significance. Review status: criteria provided, multiple submitters, no conflicts (2 of 4 stars). 2 submissions from 2 submitters: Uncertain significance (2). Last evaluated 2026-05-27.

Conditions:
Inborn genetic diseases. Identifiers: MedGen C0950123, MeSH D030342.

Allele frequency attached by ClinVar (database versions not stated): gnomAD exomes 0.00001; TOPMed below 0.00001; ExAC 0.00001.
gnomAD v4.1: 3 of 1,614,204 alleles (0.00019%); highest among the groups gnomAD compares: East Asian, 0.0045%; no homozygotes.

Submissions (2):

Women's Health and Genetics/Laboratory Corporation of America, LabCorp
Classification: Uncertain significance. Last evaluated: 2026-05-27. Review status: criteria provided, single submitter. Criteria: LabCorp Variant Classification Summary - May 2015. Collection method: clinical testing. Allele origin: germline.
Comment: Variant summary: LAMA1 c.1547C>T (p.Ser516Phe) results in a non-conservative amino acid change in the encoded protein sequence. Algorithms developed to predict the effect of missense changes on protein structure and function are either unavailable or do not agree on the potential impact of this missense change. The variant allele was found at a frequency of 8e-06 in 251288 control chromosomes. The available data on variant occurrences in the general population are insufficient to allow any conclusion about variant significance. To our knowledge, no occurrence of c.1547C>T in individuals affected with LAMA1-related conditions and no experimental evidence demonstrating its impact on protein function have been reported. ClinVar contains an entry for this variant (Variation ID: 3117362). Based on the evidence outlined above, the variant was classified as uncertain significance.

Ambry Genetics
Classification: Uncertain significance for Inborn genetic diseases. Last evaluated: 2023-10-10. Review status: criteria provided, single submitter. Criteria: Ambry Variant Classification Scheme 2023. Collection method: clinical testing. Allele origin: germline.

NM_005559.4(LAMA1):c.1547C>T (p.Ser516Phe)

Genes: LAMA1 (laminin subunit alpha 1; minus strand), LOC112543434 (P300/CBP strongly-dependent group 1 enhancer GRCh37_chr18:7038146-7039345; plus strand). Cytogenetic location: 18p11.31.
Variant type: single nucleotide variant.
Coding change: c.1547C>T on transcript NM_005559.4 (MANE Select); coding-DNA position 1547, C replaced by T.
Protein change: p.Ser516Phe; replaces serine 516 with phenylalanine.
Molecular consequence: missense variant.
Genome position (GRCh38, 1-based): chr18:7,038,826, G>A on the plus strand (C>T on the coding strand, the complement: LAMA1 is on the minus strand). VCF-style: chr18-7038826-G-A. GRCh37 (hg19) VCF-style: chr18-7038825-G-A.
Other names: short protein forms S516F.
Identifiers: ClinVar variation 3117362 (VCV003117362.2), dbSNP rs753491378, ClinGen allele CA8882967.
Genomic context (GRCh38, chr18:7,038,826, plus strand): 5'-ACGACCTGCTCATTAAATCCCGCCGCGCAGATGGCGCCTCCCACCTGACCAACAGGCCAA[G>A]AGAGGCTGCTGCAGACATCAGAAACGCCAAAGCAGAAGCACTCGGAGCAGCCCCGGGGGT-3'
Protein context (NP_005550.2, residues 506-526): FGVSDVCSSL[Ser516Phe]WPVGQVNSMS